The following is an entry in ClinVar:

NM_000264.5(PTCH1):c.2987_2988delinsAT (p.Thr996Asn)

Gene: PTCH1 (patched 1; minus strand). Cytogenetic location: 9q22.32.
Variant type: Indel.
Coding change: c.2987_2988delinsAT on transcript NM_000264.5 (MANE Select); coding-DNA positions 2987 to 2988, CC replaced by AT.
Protein change: p.Thr996Asn; replaces threonine 996 with asparagine.
Molecular consequence: missense variant. On other transcripts: non-coding transcript variant (1).
Genome position (GRCh38, 1-based): chr9:95,458,193-95,458,194, GG replaced by AT on the plus strand (CC replaced by AT on the coding strand, the reverse complement: PTCH1 is on the minus strand). VCF-style: chr9-95458193-GG-AT. GRCh37 (hg19) VCF-style: chr9-98220475-GG-AT.
Other names: c.2789_2790delinsAT, p.Thr930Asn (NM_001083602.3); c.2984_2985delinsAT, p.Thr995Asn (NM_001083603.3); c.2534_2535delinsAT, p.Thr845Asn (NM_001083604.3, NM_001083605.3, NM_001083606.3 and 1 more transcripts); c.2831_2832delinsAT, p.Thr944Asn (NM_001354918.2); short protein forms T845N, T944N, T995N, T996N, T930N.
Identifiers: ClinVar variation 1382711 (VCV001382711.6), dbSNP rs2136661772, ClinGen allele CA2573144906.

ClinVar aggregate classification (germline): Uncertain significance (1 of 4 stars; one submission).

Conditions:
Gorlin syndrome. Also called: Basal cell nevus syndrome; Nevoid Basal Cell Carcinoma Syndrome. Identifiers: Orphanet 377, MedGen C0004779, MONDO:0007187.

Submission:

Labcorp Genetics (formerly Invitae), Labcorp
Classification: Uncertain significance for Gorlin syndrome. Last evaluated: 2021-09-23. Review status: criteria provided, single submitter. Criteria: Invitae Variant Classification Sherloc (09022015). Collection method: clinical testing. Allele origin: germline.
Comment: In summary, the available evidence is currently insufficient to determine the role of this variant in disease. Therefore, it has been classified as a Variant of Uncertain Significance. This sequence change replaces threonine with asparagine at codon 996 of the PTCH1 protein (p.Thr996Asn). The threonine residue is weakly conserved and there is a small physicochemical difference between threonine and asparagine. The frequency data for this variant in the population databases is not available, as this variant may be reported as separate entries in the ExAC database. This variant has not been reported in the literature in individuals affected with PTCH1-related conditions. Algorithms developed to predict the effect of missense changes on protein structure and function are either unavailable or do not agree on the potential impact of this missense change (SIFT: "Not Available"; PolyPhen-2: "Benign"; Align-GVGD: "Not Available").